The following is an entry in ClinVar:

NM_001365902.3(NFIX):c.781C>A (p.Leu261Met)

Gene: NFIX (nuclear factor I X; plus strand). Cytogenetic location: 19p13.13.
Variant type: single nucleotide variant.
Coding change: c.781C>A on transcript NM_001365902.3 (MANE Select); coding-DNA position 781, C replaced by A.
Protein change: p.Leu261Met; replaces leucine 261 with methionine.
Molecular consequence: missense variant.
Genome position (GRCh38, 1-based): chr19:13,073,989, C>A. VCF-style: chr19-13073989-C-A. GRCh37 (hg19) VCF-style: chr19-13184803-C-A.
Other names: c.829C>A, p.Leu277Met (NM_001378405.1); c.781C>A, p.Leu261Met (NM_002501.4, NM_001365982.2); c.805C>A, p.Leu269Met (NM_001271043.2); c.757C>A, p.Leu253Met (NM_001271044.3, NM_001378404.1); c.640C>A, p.Leu214Met (NM_001365983.2); c.778C>A, p.Leu260Met (NM_001365984.2, NM_001365985.2); short protein forms L253M, L260M, L261M, L277M, L214M, L269M.
Identifiers: ClinVar variation 2614768 (VCV002614768.4), dbSNP rs2512944723, ClinGen allele CA404295789.

ClinVar aggregate classification (germline): Uncertain significance. Review status: criteria provided, multiple submitters, no conflicts (2 of 4 stars). 2 submissions from 2 submitters: Uncertain significance (2). Last evaluated 2026-01-13.

Conditions:
Inborn genetic diseases. Identifiers: MedGen C0950123, MeSH D030342.

Submissions (2):

GeneDx
Classification: Uncertain significance. Last evaluated: 2026-01-13. Review status: criteria provided, single submitter. Criteria: GeneDx Variant Classification Process June 2021. Collection method: clinical testing. Allele origin: germline.
Comment: Not observed at significant frequency in large population cohorts (gnomAD); In silico analysis suggests that this missense variant does not alter protein structure/function; Has not been previously published as pathogenic or benign to our knowledge; This variant is associated with the following publications: (PMID: 22982744)

Ambry Genetics
Classification: Uncertain significance for Inborn genetic diseases. Last evaluated: 2023-07-30. Review status: criteria provided, single submitter. Criteria: Ambry Variant Classification Scheme 2023. Collection method: clinical testing. Allele origin: germline.